The following is an entry in ClinVar:

ClinVar aggregate classification (germline): Pathogenic/Likely pathogenic. Review status: criteria provided, multiple submitters, no conflicts (2 of 4 stars). 4 submissions from 4 submitters: Pathogenic (3); Likely pathogenic (1). Last evaluated 2025-12-03.

Conditions:
Arrhythmogenic cardiomyopathy with wooly hair and keratoderma. Also called: PALMOPLANTAR KERATODERMA WITH LEFT VENTRICULAR CARDIOMYOPATHY AND WOOLLY HAIR; Carvajal syndrome; Dilated cardiomyopathy with woolly hair and keratoderma; Arrhythmogenic cardiomyopathy with woolly hair and keratoderma. Identifiers: Orphanet 65282, MedGen C1854063, MONDO:0011581, OMIM 605676.
Arrhythmogenic right ventricular dysplasia 8 (ARVD8). Also called: ARRHYTHMOGENIC RIGHT VENTRICULAR DYSPLASIA, FAMILIAL, 8; ARRHYTHMOGENIC RIGHT VENTRICULAR CARDIOMYOPATHY 8; Arrhythmogenic Right Ventricular Dysplasia/Cardiomyopathy 8. Identifiers: MedGen C1843896, MONDO:0011831, OMIM 607450.
Cardiomyopathy (CMYO). Also called: Cardiomyopathies. Identifiers: Orphanet 167848, MedGen C0878544, MONDO:0004994, HP:0001638. Inheritance: Various modes of inheritance.

Submissions (4):

Labcorp Genetics (formerly Invitae), Labcorp
Classification: Pathogenic for Arrhythmogenic cardiomyopathy with wooly hair and keratoderma; Arrhythmogenic right ventricular dysplasia 8. Last evaluated: 2025-12-03. Review status: criteria provided, single submitter. Criteria: Invitae Variant Classification Sherloc (09022015). Collection method: clinical testing. Allele origin: germline.
Comment: This sequence change creates a premature translational stop signal (p.Lys1626Argfs*19) in the DSP gene. It is expected to result in an absent or disrupted protein product. Loss-of-function variants in DSP are known to be pathogenic (PMID: 20716751, 24503780, 25227139, 30398466). This variant is not present in population databases (gnomAD no frequency). This variant has not been reported in the literature in individuals affected with DSP-related conditions. ClinVar contains an entry for this variant (Variation ID: 2775314). For these reasons, this variant has been classified as Pathogenic.

GeneDx
Classification: Likely pathogenic. Last evaluated: 2025-04-18. Review status: criteria provided, single submitter. Criteria: GeneDx Variant Classification Process June 2021. Collection method: clinical testing. Allele origin: germline.
Comment: Frameshift variant predicted to result in protein truncation or nonsense mediated decay in a gene for which loss of function is a known mechanism of disease; Not observed at significant frequency in large population cohorts (gnomAD); Has not been previously published as pathogenic or benign to our knowledge

Color Diagnostics, LLC DBA Color Health
Classification: Pathogenic for Cardiomyopathy. Last evaluated: 2024-09-23. Review status: criteria provided, single submitter. Criteria: ACMG Guidelines, 2015. Collection method: clinical testing. Allele origin: germline.
Comment: This variant deletes 1 nucleotide in exon 23 of the DSP gene, creating a frameshift and premature translation stop signal. This variant is expected to result in an absent or non-functional protein product. To our knowledge, this variant has not been reported in individuals affected with DSP-related disorders in the literature. This variant has not been identified in the general population by the Genome Aggregation Database (gnomAD). Loss of DSP function is a known mechanism of disease. Based on the available evidence, this variant is classified as Pathogenic.

All of Us Research Program, National Institutes of Health
Classification: Pathogenic for Arrhythmogenic cardiomyopathy with wooly hair and keratoderma. Last evaluated: 2024-07-15. Review status: criteria provided, single submitter. Criteria: ACMG Guidelines, 2015. Collection method: clinical testing. Allele origin: germline. Inheritance: Autosomal dominant inheritance. Observed: 2 variant alleles, 2 heterozygotes.
Comment: This variant deletes 1 nucleotide in exon 23 of the DSP gene, creating a frameshift and premature translation stop signal. This variant is expected to result in an absent or non-functional protein product. To our knowledge, this variant has not been reported in individuals affected with DSP-related disorders in the literature. This variant has not been identified in the general population by the Genome Aggregation Database (gnomAD). Loss of DSP function is a known mechanism of disease. Based on the available evidence, this variant is classified as Pathogenic.

This study involves interpretation of variants in research participants for the purpose of population health screening. Participant phenotype was not available at the time of variant classification. Additional details can be found in publication PMID: 35346344, PMCID: PMC8962531

Literature cited by the submitters: PubMed 20716751 (cited by Labcorp Genetics (formerly Invitae), Labcorp); PubMed 24503780 (cited by Labcorp Genetics (formerly Invitae), Labcorp); PubMed 25227139 (cited by Labcorp Genetics (formerly Invitae), Labcorp); PubMed 30398466 (cited by Labcorp Genetics (formerly Invitae), Labcorp).

NM_004415.4(DSP):c.4875del (p.Lys1626fs)

Gene: DSP (desmoplakin; plus strand). Cytogenetic location: 6p24.3.
Variant type: Deletion.
Coding change: c.4875del on transcript NM_004415.4 (MANE Select); coding-DNA position 4875, one base deleted (T; older notation c.4875delT).
Protein change: p.Lys1626fs; shifts the reading frame from lysine 1626.
Molecular consequence: frameshift variant. On other transcripts: intron variant (2).
Genome position (GRCh38, 1-based): chr6:7,581,065, T deleted; the last of 2 consecutive T bases (chr6:7,581,064-7,581,065); deleting either gives the same sequence. VCF-style (leftmost placement, unchanged base first): chr6-7581063-GT-G. GRCh37 (hg19) VCF-style: chr6-7581296-GT-G.
Other names: c.4875del (NM_004415.2); c.4050+825del (NM_001319034.2); c.3582+1293del (NM_001008844.3); short protein forms K1626fs.
Identifiers: ClinVar variation 2775314 (VCV002775314.8), dbSNP rs2533930676, ClinGen allele CA2697546624.